The following is an entry in ClinVar:

ClinVar aggregate classification (germline): Uncertain significance (1 of 4 stars; one submission).

Conditions:
Hereditary hemorrhagic telangiectasia (HHT). Also called: ORW DISEASE; Osler Weber Rendu syndrome; OSLER-RENDU-WEBER DISEASE; Osler hemorrhagic telangiectasia syndrome. Identifiers: Orphanet 774, MedGen C0039445, MONDO:0019180. Disease mechanism: loss of function.

Submission:

Labcorp Genetics (formerly Invitae), Labcorp
Classification: Uncertain significance for Hereditary hemorrhagic telangiectasia. Last evaluated: 2021-11-08. Review status: criteria provided, single submitter. Criteria: Invitae Variant Classification Sherloc (09022015). Collection method: clinical testing. Allele origin: germline.
Comment: In summary, the available evidence is currently insufficient to determine the role of this variant in disease. Therefore, it has been classified as a Variant of Uncertain Significance. Experimental studies and prediction algorithms are not available or were not evaluated, and the functional significance of this variant is currently unknown. This variant has not been reported in the literature in individuals affected with ENG-related conditions. This variant is not present in population databases (gnomAD no frequency). This variant, c.790_798del, results in the deletion of 3 amino acid(s) of the ENG protein (p.Asp264_Asn266del), but otherwise preserves the integrity of the reading frame.

NM_001114753.3(ENG):c.790_798del (p.Asp264_Asn266del)

Gene: ENG (endoglin; minus strand). Cytogenetic location: 9q34.11.
Variant type: Deletion.
Coding change: c.790_798del on transcript NM_001114753.3 (MANE Select); coding-DNA positions 790 to 798, 9 bases deleted (GACGCCAAC; older notation c.790_798delGACGCCAAC).
Protein change: p.Asp264_Asn266del.
Molecular consequence: inframe deletion. On other transcripts: inframe indel (2).
Genome position (GRCh38, 1-based): chr9:127,825,249-127,825,257, GTTGGCGTC deleted on the plus strand (GACGCCAAC on the coding strand, the reverse complement: ENG is on the minus strand); deleting any 9 consecutive bases within chr9:127,825,249-127,825,258 gives the same sequence; the c. name uses the placement nearest the transcript's 3' end. VCF-style (leftmost placement, unchanged base first): chr9-127825248-GGTTGGCGTC-G. GRCh37 (hg19) VCF-style: chr9-130587527-GGTTGGCGTC-G.
Other names: c.789_797delCGACGCCAA, p.Asp264_Asn266del (NM_000118.4, NM_001406715.1); c.244_252del, p.Asp82_Asn84del (NM_001278138.2).
Identifiers: ClinVar variation 1432409 (VCV001432409.8), dbSNP rs2131887656, ClinGen allele CA2573143975.